The following is an entry in ClinVar:

NM_001042545.2(LTBP4):c.1834C>G (p.Pro612Ala)

Gene: LTBP4 (latent transforming growth factor beta binding protein 4; plus strand). Cytogenetic location: 19q13.2.
Variant type: single nucleotide variant.
Coding change: c.1834C>G on transcript NM_001042545.2 (MANE Select); coding-DNA position 1834, C replaced by G.
Protein change: p.Pro612Ala; replaces proline 612 with alanine.
Molecular consequence: missense variant.
Genome position (GRCh38, 1-based): chr19:40,611,175, C>G. VCF-style: chr19-40611175-C-G. GRCh37 (hg19) VCF-style: chr19-41117081-C-G.
Other names: c.2035C>G, p.Pro679Ala (NM_001042544.1); c.1924C>G, p.Pro642Ala (NM_003573.2); short protein forms P612A, P642A, P679A.
Identifiers: ClinVar variation 329312 (VCV000329312.15), dbSNP rs34299942, ClinGen allele CA9448453.

ClinVar aggregate classification (germline): Benign. Review status: criteria provided, multiple submitters, no conflicts (2 of 4 stars). 4 submissions from 4 submitters: Benign (4). Last evaluated 2026-02-02.

Conditions:
Cutis laxa with severe pulmonary, gastrointestinal and urinary anomalies. Also called: URBAN-RIFKIN-DAVIS SYNDROME; Cutis laxa, autosomal recessive, type IC; LTBP4-Related Cutis Laxa. Identifiers: Orphanet 221145, MedGen C2750804, MONDO:0013170, OMIM 613177. Disease mechanism: loss of function.

Allele frequency attached by ClinVar (database versions not stated): gnomAD exomes 0.00217 and 0.00560; ExAC 0.00667; ESP Exome Variant Server 0.02295; gnomAD 0.02295 and 0.02447; 1000 Genomes Project 0.02436; TOPMed 0.02614; 1000 Genomes Project 30x 0.02623.
gnomAD v4.1: 6,843 of 1,613,422 alleles (0.42%); highest among the groups gnomAD compares: African/African-American, 7.7%; 228 homozygotes.

Submissions (4):

Labcorp Genetics (formerly Invitae), Labcorp
Classification: Benign. Last evaluated: 2026-02-02. Review status: criteria provided, single submitter. Criteria: Invitae Variant Classification Sherloc (09022015). Collection method: clinical testing. Allele origin: germline.

Illumina Laboratory Services, Illumina
Classification: Benign for Cutis laxa with severe pulmonary, gastrointestinal and urinary anomalies. Last evaluated: 2018-01-13. Review status: criteria provided, single submitter. Criteria: ICSL Variant Classification Criteria 13 December 2019. Collection method: clinical testing. Allele origin: germline.
Comment: This variant was observed in the ICSL laboratory as part of a predisposition screen in an ostensibly healthy population. It had not been previously curated by ICSL or reported in the Human Gene Mutation Database (HGMD: prior to June 1st, 2018), and was therefore a candidate for classification through an automated scoring system. Utilizing variant allele frequency, disease prevalence and penetrance estimates, and inheritance mode, an automated score was calculated to assess if this variant is too frequent to cause the disease. Based on the score and internal cut-off values, a variant classified as benign is not then subjected to further curation. The score for this variant resulted in a classification of benign for this disease.

GeneDx
Classification: Benign. Last evaluated: 2016-10-25. Review status: criteria provided, single submitter. Criteria: GeneDx Variant Classification (06012015). Collection method: clinical testing. Allele origin: germline. Affected: yes.
Comment: This variant is considered likely benign or benign based on one or more of the following criteria: it is a conservative change, it occurs at a poorly conserved position in the protein, it is predicted to be benign by multiple in silico algorithms, and/or has population frequency not consistent with disease.

Breakthrough Genomics
Classification: Benign. Review status: criteria provided, single submitter. Criteria: ACMG Guidelines, 2015. Collection method: not provided. Allele origin: germline. Inheritance: Autosomal recessive inheritance. Affected: yes.